The following is an entry in ClinVar:

NM_001330078.2(NRXN1):c.470G>C (p.Gly157Ala)

Gene: NRXN1 (neurexin 1; minus strand). Cytogenetic location: 2p16.3.
Variant type: single nucleotide variant.
Coding change: c.470G>C on transcript NM_001330078.2 (MANE Select); coding-DNA position 470, G replaced by C.
Protein change: p.Gly157Ala; replaces glycine 157 with alanine.
Molecular consequence: missense variant.
Genome position (GRCh38, 1-based): chr2:51,027,804, C>G on the plus strand (G>C on the coding strand, the complement: NRXN1 is on the minus strand). VCF-style: chr2-51027804-C-G. GRCh37 (hg19) VCF-style: chr2-51254942-C-G.
Other names: c.470G>C, p.Gly157Ala (NM_001330079.2, NM_001330081.2, NM_001330082.2 and 15 more transcripts); short protein forms G157A.
Identifiers: ClinVar variation 2824637 (VCV002824637.3), dbSNP rs2468076327, ClinGen allele CA346823928.

ClinVar aggregate classification (germline): Uncertain significance (1 of 4 stars; one submission).

Conditions:
Pitt-Hopkins-like syndrome 2 (PTHSL2). Identifiers: Orphanet 221150, Orphanet 600663, MedGen C3280479, MONDO:0013690, OMIM 614325.

Submission:

Labcorp Genetics (formerly Invitae), Labcorp
Classification: Uncertain significance for Pitt-Hopkins-like syndrome 2. Last evaluated: 2022-12-29. Review status: criteria provided, single submitter. Criteria: Invitae Variant Classification Sherloc (09022015). Collection method: clinical testing. Allele origin: germline.
Comment: Algorithms developed to predict the effect of missense changes on protein structure and function are either unavailable or do not agree on the potential impact of this missense change (SIFT: "Deleterious"; PolyPhen-2: "Benign"; Align-GVGD: "Class C0"). In summary, the available evidence is currently insufficient to determine the role of this variant in disease. Therefore, it has been classified as a Variant of Uncertain Significance. This variant has not been reported in the literature in individuals affected with NRXN1-related conditions. This variant is not present in population databases (gnomAD no frequency). This sequence change replaces glycine, which is neutral and non-polar, with alanine, which is neutral and non-polar, at codon 157 of the NRXN1 protein (p.Gly157Ala).